The following is an entry in ClinVar:

ClinVar aggregate classification (germline): Likely benign. Review status: criteria provided, single submitter (1 of 4 stars). 2 submissions from 2 submitters: Likely benign (1). 1 of the submissions does not count toward it. Last evaluated 2024-11-26.

Conditions:
SYNE1-related disorder. Also called: SYNE1-related disorders; SYNE1-related disease; SYNE1-related condition.

Allele frequency attached by ClinVar (database versions not stated): gnomAD exomes 0.00001; ExAC 0.00007; TOPMed 0.00010; gnomAD 0.00020.

Submissions (2):

Blueprint Genetics
Classification: Likely benign. Last evaluated: 2024-11-26. Review status: criteria provided, single submitter. Criteria: ACMG Guidelines, 2015. Collection method: clinical testing. Allele origin: germline.

PreventionGenetics, part of Exact Sciences
Classification: Likely benign for SYNE1-related condition. Last evaluated: 2019-09-13. Review status: no assertion criteria provided. Collection method: clinical testing. Allele origin: germline. Not counted in ClinVar's aggregate classification.
Comment: This variant is classified as likely benign based on ACMG/AMP sequence variant interpretation guidelines (Richards et al. 2015 PMID: 25741868, with internal and published modifications).

NM_001347702.2(SYNE1):c.54G>A (p.Val18=)

Gene: SYNE1 (spectrin repeat containing nuclear envelope protein 1; minus strand). Cytogenetic location: 6q25.2.
Variant type: single nucleotide variant.
Coding change: c.54G>A on transcript NM_001347702.2 (MANE Plus Clinical); coding-DNA position 54, G replaced by A.
Protein change: p.Val18=; no amino-acid change (valine 18 retained).
Molecular consequence: synonymous variant. On other transcripts: intron variant (3).
Genome position (GRCh38, 1-based): chr6:152,168,151, C>T on the plus strand (G>A on the coding strand, the complement: SYNE1 is on the minus strand). VCF-style: chr6-152168151-C-T. GRCh37 (hg19) VCF-style: chr6-152489286-C-T.
Other names: c.23628-3826G>A (NM_182961.4); c.23415-3826G>A (NM_033071.5); c.234-3826G>A (NM_001347701.2).
Identifiers: ClinVar variation 3040282 (VCV003040282.3), dbSNP rs372382250, ClinGen allele CA4053524.